The following is an entry in ClinVar:

NM_004595.5(SMS):c.547G>A (p.Gly183Ser)

Gene: SMS (spermine synthase; plus strand). Cytogenetic location: Xp22.11.
Variant type: single nucleotide variant.
Coding change: c.547G>A on transcript NM_004595.5 (MANE Select); coding-DNA position 547, G replaced by A.
Protein change: p.Gly183Ser; replaces glycine 183 with serine.
Molecular consequence: missense variant.
Genome position (GRCh38, 1-based): chrX:21,978,001, G>A. VCF-style: chrX-21978001-G-A. GRCh37 (hg19) VCF-style: chrX-21996119-G-A.
Other names: c.388G>A, p.Gly130Ser (NM_001258423.2); short protein forms G130S, G183S.
Identifiers: ClinVar variation 4057005 (VCV004057005.1).

ClinVar aggregate classification (germline): Uncertain significance (1 of 4 stars; one submission).

Submission:

GeneDx
Classification: Uncertain significance. Last evaluated: 2025-01-05. Review status: criteria provided, single submitter. Criteria: GeneDx Variant Classification Process June 2021. Collection method: clinical testing. Allele origin: germline. Affected: yes.
Comment: Not observed at significant frequency in large population cohorts (gnomAD); In silico analysis supports that this missense variant has a deleterious effect on protein structure/function; Has not been previously published as pathogenic or benign to our knowledge